The following is an entry in ClinVar:

NM_006180.6(NTRK2):c.1725C>A (p.Asn575Lys)

Gene: NTRK2 (neurotrophic receptor tyrosine kinase 2; plus strand). Cytogenetic location: 9q21.33.
Variant type: single nucleotide variant.
Coding change: c.1725C>A on transcript NM_006180.6 (MANE Select); coding-DNA position 1725, C replaced by A.
Protein change: p.Asn575Lys; replaces asparagine 575 with lysine.
Molecular consequence: missense variant.
Genome position (GRCh38, 1-based): chr9:84,934,253, C>A. VCF-style: chr9-84934253-C-A. GRCh37 (hg19) VCF-style: chr9-87549168-C-A.
Other names: c.1677C>A, p.Asn559Lys (NM_001018064.3, NM_001369532.1, NM_001369533.1); c.1641C>A, p.Asn547Lys (NM_001369534.1); c.1209C>A, p.Asn403Lys (NM_001369535.1); c.1257C>A, p.Asn419Lys (NM_001369536.1); short protein forms N419K, N575K, N403K, N547K, N559K.
Identifiers: ClinVar variation 1476455 (VCV001476455.13), dbSNP rs781117934, ClinGen allele CA374006522.

ClinVar aggregate classification (germline): Uncertain significance. Review status: criteria provided, multiple submitters, no conflicts (2 of 4 stars). 3 submissions from 3 submitters: Uncertain significance (3). Last evaluated 2025-10-01.

gnomAD v4.1: 2 of 1,613,950 alleles (0.00012%); highest among the groups gnomAD compares: Non-Finnish European, 0.00017%; no homozygotes.

Submissions (3):

CeGaT Center for Human Genetics Tuebingen
Classification: Uncertain significance. Last evaluated: 2025-10-01. Review status: criteria provided, single submitter. Criteria: CeGaT Center For Human Genetics Tuebingen Variant Classification Criteria Version 2. Collection method: clinical testing. Allele origin: germline. Affected: yes. Observed: 1 variant allele.
Comment: NTRK2: PM2:Supporting, PP3

Women's Health and Genetics/Laboratory Corporation of America, LabCorp
Classification: Uncertain significance. Last evaluated: 2024-05-16. Review status: criteria provided, single submitter. Criteria: LabCorp Variant Classification Summary - May 2015. Collection method: clinical testing. Allele origin: germline.
Comment: Variant summary: NTRK2 c.1725C>A (p.Asn575Lys) results in a non-conservative amino acid change located in the Protein kinase domain (IPR000719) of the encoded protein sequence. Four of five in-silico tools predict a damaging effect of the variant on protein function. The variant was absent in 251298 control chromosomes. The available data on variant occurrences in the general population are insufficient to allow any conclusion about variant significance. To our knowledge, no occurrence of c.1725C>A in individuals affected with Developmental And Epileptic Encephalopathy, 58 and no experimental evidence demonstrating its impact on protein function have been reported. ClinVar contains an entry for this variant (Variation ID: 1476455). Based on the evidence outlined above, the variant was classified as uncertain significance.

Labcorp Genetics (formerly Invitae), Labcorp
Classification: Uncertain significance. Last evaluated: 2022-07-06. Review status: criteria provided, single submitter. Criteria: Invitae Variant Classification Sherloc (09022015). Collection method: clinical testing. Allele origin: germline.
Comment: In summary, the available evidence is currently insufficient to determine the role of this variant in disease. Therefore, it has been classified as a Variant of Uncertain Significance. Advanced modeling of protein sequence and biophysical properties (such as structural, functional, and spatial information, amino acid conservation, physicochemical variation, residue mobility, and thermodynamic stability) performed at Invitae indicates that this missense variant is not expected to disrupt NTRK2 protein function. ClinVar contains an entry for this variant (Variation ID: 1476455). This variant has not been reported in the literature in individuals affected with NTRK2-related conditions. This variant is not present in population databases (gnomAD no frequency). This sequence change replaces asparagine, which is neutral and polar, with lysine, which is basic and polar, at codon 575 of the NTRK2 protein (p.Asn575Lys).